The following is an entry in ClinVar:

NM_001375380.1(EBF3):c.512G>A (p.Gly171Asp)

Gene: EBF3 (EBF transcription factor 3; minus strand). Cytogenetic location: 10q26.3.
Variant type: single nucleotide variant.
Coding change: c.512G>A on transcript NM_001375380.1 (MANE Select); coding-DNA position 512, G replaced by A.
Protein change: p.Gly171Asp; replaces glycine 171 with aspartic acid.
Molecular consequence: missense variant.
Genome position (GRCh38, 1-based): chr10:129,957,300, C>T on the plus strand (G>A on the coding strand, the complement: EBF3 is on the minus strand). VCF-style: chr10-129957300-C-T. GRCh37 (hg19) VCF-style: chr10-131755564-C-T.
Other names: c.512G>A, p.Gly171Asp (NM_001005463.3, NM_001375379.1, NM_001375389.1 and 3 more transcripts); short protein forms G171D.
Identifiers: ClinVar variation 375375 (VCV000375375.4), dbSNP rs1057519437, ClinGen allele CA16044228.

ClinVar aggregate classification (germline): Pathogenic. Review status: criteria provided, single submitter (1 of 4 stars). 3 submissions from 3 submitters: Pathogenic (1). 2 of the submissions do not count toward it. Last evaluated 2024-11-11.

Conditions:
Hypotonia, ataxia, and delayed development syndrome (HADDS). Also called: EBF3 Neurodevelopmental Disorder. Identifiers: Orphanet 658843, MedGen C4310618, MONDO:0015021, OMIM 617330.
Renal tubular dysgenesis. Also called: Renotubular dysgenesis. Identifiers: Orphanet 3033, MedGen C0266313, MONDO:0017609, HP:0008660.
Neurogenic bladder. Identifiers: MedGen C0005697, HP:0000011.
Generalized hypotonia. Identifiers: MedGen C1858120, HP:0001290.
Broad-based gait. Identifiers: MedGen C0856863, HP:0002136.
Developmental regression. Also called: C1836830. Identifiers: MedGen C1836830, HP:0002376.

Submissions (3):

GeneDx
Classification: Pathogenic. Last evaluated: 2024-11-11. Review status: criteria provided, single submitter. Criteria: GeneDx Variant Classification Process June 2021. Collection method: clinical testing. Allele origin: germline. Affected: yes.
Comment: Published functional studies suggest a damaging effect by significantly impairing the ability to activate transcription of the reporter gene CDKN1A (PMID: 28017373); Not observed at significant frequency in large population cohorts (gnomAD); In silico analysis supports that this missense variant has a deleterious effect on protein structure/function; This variant is associated with the following publications: (PMID: 28487885, 32366537, 28017373, 37090941, 28327206, 35340043)

GeneReviews
No classification provided. Condition: Hypotonia, ataxia, and delayed development syndrome. Review status: no classification provided. Collection method: literature only. Allele origin: germline. Not counted in ClinVar's aggregate classification.
Comment: Reported in 2 unrelated persons

Lupski Lab, Baylor-Hopkins CMG, Baylor College of Medicine
Classification: Pathogenic for Developmental regression; Generalized hypotonia; Broad-based gait; Neurogenic bladder; Renal dysplasia. Review status: no assertion criteria provided. Collection method: research. Allele origin: de novo. Inheritance: Autosomal dominant inheritance. Affected: yes. Not counted in ClinVar's aggregate classification.
Comment: Please see PMID: 28017373 for a description of this variant and other variants in EBF3 found in patients with a similar phenotype.

Literature cited by the submitters: PubMed 28017373 (cited by GeneReviews); PubMed 32366537 (cited by GeneReviews); PubMed 33956416 (cited by GeneReviews).